The following is an entry in ClinVar:

ClinVar aggregate classification (germline): Uncertain significance. Review status: criteria provided, multiple submitters, no conflicts (2 of 4 stars). 4 submissions from 4 submitters: Uncertain significance (4). Last evaluated 2025-09-26.

Conditions:
Inborn genetic diseases. Identifiers: MedGen C0950123, MeSH D030342.

Allele frequency attached by ClinVar (database versions not stated): gnomAD exomes 0.00001; gnomAD 0.00011 and 0.00012; TOPMed 0.00015.
gnomAD v4.1: 31 of 1,460,618 alleles (0.0021%); highest among the groups gnomAD compares: African/African-American, 0.037%; no homozygotes.

Submissions (4):

Ambry Genetics
Classification: Uncertain significance for Inborn genetic diseases. Last evaluated: 2025-09-26. Review status: criteria provided, single submitter. Criteria: Ambry Variant Classification Scheme 2023. Collection method: clinical testing. Allele origin: germline.
Comment: The c.36G>T (p.Q12H) alteration is located in exon 1 (coding exon 1) of the ESPN gene. This alteration results from a G to T substitution at nucleotide position 36, causing the glutamine (Q) at amino acid position 12 to be replaced by a histidine (H). Based on data from gnomAD, the T allele has an overall frequency of 0.002% (2/106796) total alleles studied. The highest observed frequency was 0.031% (1/3256) of Other alleles. Based on insufficient or conflicting evidence, the clinical significance of this alteration remains unclear.

GeneDx
Classification: Uncertain significance. Last evaluated: 2025-08-21. Review status: criteria provided, single submitter. Criteria: GeneDx Variant Classification Process June 2021. Collection method: clinical testing. Allele origin: germline. Affected: yes.
Comment: In silico analysis suggests that this missense variant does not alter protein structure/function; Has not been previously published as pathogenic or benign to our knowledge

Blueprint Genetics
Classification: Uncertain significance. Last evaluated: 2023-11-14. Review status: criteria provided, single submitter. Criteria: ACMG Guidelines, 2015. Collection method: clinical testing. Allele origin: germline.

Labcorp Genetics (formerly Invitae), Labcorp
Classification: Uncertain significance. Last evaluated: 2022-04-20. Review status: criteria provided, single submitter. Criteria: Invitae Variant Classification Sherloc (09022015). Collection method: clinical testing. Allele origin: germline.
Comment: ClinVar contains an entry for this variant (Variation ID: 1213573). This variant has not been reported in the literature in individuals affected with ESPN-related conditions. Algorithms developed to predict the effect of missense changes on protein structure and function are either unavailable or do not agree on the potential impact of this missense change (SIFT: "Tolerated"; PolyPhen-2: "Possibly Damaging"; Align-GVGD: "Class C0"). In summary, the available evidence is currently insufficient to determine the role of this variant in disease. Therefore, it has been classified as a Variant of Uncertain Significance. The frequency data for this variant in the population databases is considered unreliable, as metrics indicate poor data quality at this position in the gnomAD database. This sequence change replaces glutamine, which is neutral and polar, with histidine, which is basic and polar, at codon 12 of the ESPN protein (p.Gln12His).

NM_031475.3(ESPN):c.36G>T (p.Gln12His)

Gene: ESPN (espin; plus strand). Cytogenetic location: 1p36.31.
Variant type: single nucleotide variant.
Coding change: c.36G>T on transcript NM_031475.3 (MANE Select); coding-DNA position 36, G replaced by T.
Protein change: p.Gln12His; replaces glutamine 12 with histidine.
Molecular consequence: missense variant.
Genome position (GRCh38, 1-based): chr1:6,424,991, G>T. VCF-style: chr1-6424991-G-T. GRCh37 (hg19) VCF-style: chr1-6485051-G-T.
Other names: c.36G>T, p.Gln12His (NM_001367473.1, NM_001367474.1); short protein forms Q12H.
Identifiers: ClinVar variation 1213573 (VCV001213573.14), dbSNP rs900844475, ClinGen allele CA17192708.